The following is an entry in ClinVar:

NM_014408.5(TRAPPC3):c.407G>A (p.Arg136Gln)

Gene: TRAPPC3 (trafficking protein particle complex subunit 3; minus strand). Cytogenetic location: 1p34.3.
Variant type: single nucleotide variant.
Coding change: c.407G>A on transcript NM_014408.5 (MANE Select); coding-DNA position 407, G replaced by A.
Protein change: p.Arg136Gln; replaces arginine 136 with glutamine.
Molecular consequence: missense variant. On other transcripts: non-coding transcript variant (1).
Genome position (GRCh38, 1-based): chr1:36,137,812, C>T on the plus strand (G>A on the coding strand, the complement: TRAPPC3 is on the minus strand). VCF-style: chr1-36137812-C-T. GRCh37 (hg19) VCF-style: chr1-36603413-C-T.
Other names: c.269G>A, p.Arg90Gln (NM_001270895.2, NM_001270896.2); c.209G>A, p.Arg70Gln (NM_001270897.2); c.431G>A, p.Arg144Gln (NM_001270894.2); c.407G>A (NM_014408.3); short protein forms R70Q, R90Q, R144Q, R136Q.
Identifiers: ClinVar variation 1972014 (VCV001972014.6), dbSNP rs1381047813, ClinGen allele CA339372902.
Genomic context (GRCh38, chr1:36,137,812, plus strand): 5'-CTATTGCATTTCGGGTGTCCCAGAAGATAAAGAGTTGCACTCACCATCTCCAAAGCTCCC[C>T]GCAACACCCCACACAAGAGATTGGAATAAATAAGGGATGAGTGGTTATCAGGAAGTTCCA-3'
Protein context (NP_055223.1, residues 126-146): IYSNLLCGVL[Arg136Gln]GALEMVQMAV

ClinVar aggregate classification (germline): Uncertain significance. Review status: criteria provided, multiple submitters, no conflicts (2 of 4 stars). 2 submissions from 2 submitters: Uncertain significance (2). Last evaluated 2025-08-02.

Allele frequency attached by ClinVar (database versions not stated): gnomAD exomes 0.00001; gnomAD 0.00003; TOPMed 0.00003.
gnomAD v4.1: 13 of 1,613,808 alleles (0.00081%); highest among the groups gnomAD compares: Admixed American, 0.0067%; no homozygotes.

Submissions (2):

Ambry Genetics
Classification: Uncertain significance. Last evaluated: 2025-08-02. Review status: criteria provided, single submitter. Criteria: Ambry Variant Classification Scheme 2023. Collection method: clinical testing. Allele origin: germline.

Labcorp Genetics (formerly Invitae), Labcorp
Classification: Uncertain significance. Last evaluated: 2024-01-15. Review status: criteria provided, single submitter. Criteria: Invitae Variant Classification Sherloc (09022015). Collection method: clinical testing. Allele origin: germline.
Comment: This sequence change replaces arginine, which is basic and polar, with glutamine, which is neutral and polar, at codon 144 of the TRAPPC3 protein (p.Arg144Gln). This variant is present in population databases (no rsID available, gnomAD 0.006%). This variant has not been reported in the literature in individuals affected with TRAPPC3-related conditions. ClinVar contains an entry for this variant (Variation ID: 1972014). Experimental studies and prediction algorithms are not available or were not evaluated, and the functional significance of this variant is currently unknown. In summary, the available evidence is currently insufficient to determine the role of this variant in disease. Therefore, it has been classified as a Variant of Uncertain Significance.